The following is an entry in ClinVar:

ClinVar aggregate classification (germline): Uncertain significance. Review status: criteria provided, multiple submitters, no conflicts (2 of 4 stars). 3 submissions from 3 submitters: Uncertain significance (3). Last evaluated 2024-08-08.

Conditions:
Autosomal recessive early-onset Parkinson disease 6 (PARK6). Also called: PINK1-Related Parkinson Disease; PARKINSON DISEASE 6, EARLY-ONSET; PINK1 Type of Young-Onset Parkinson Disease; PARKINSON DISEASE 6, MODIFIER OF. Identifiers: Orphanet 2828, MedGen C1853833, MONDO:0011613, OMIM 605909.

Allele frequency attached by ClinVar (database versions not stated): gnomAD 0.00002; TOPMed 0.00002; gnomAD exomes 0.00004; ExAC 0.00007; 1000 Genomes Project 30x 0.00016; 1000 Genomes Project 0.00020.

Submissions (3):

Labcorp Genetics (formerly Invitae), Labcorp
Classification: Uncertain significance for Autosomal recessive early-onset Parkinson disease 6. Last evaluated: 2024-08-08. Review status: criteria provided, single submitter. Criteria: Invitae Variant Classification Sherloc (09022015). Collection method: clinical testing. Allele origin: germline.
Comment: This sequence change replaces proline, which is neutral and non-polar, with leucine, which is neutral and non-polar, at codon 286 of the PINK1 protein (p.Pro286Leu). This variant is present in population databases (rs146691996, gnomAD 0.006%). This variant has not been reported in the literature in individuals affected with PINK1-related conditions. ClinVar contains an entry for this variant (Variation ID: 1308797). Advanced modeling of protein sequence and biophysical properties (such as structural, functional, and spatial information, amino acid conservation, physicochemical variation, residue mobility, and thermodynamic stability) performed at Invitae indicates that this missense variant is not expected to disrupt PINK1 protein function with a negative predictive value of 80%. In summary, the available evidence is currently insufficient to determine the role of this variant in disease. Therefore, it has been classified as a Variant of Uncertain Significance.

Fulgent Genetics
Classification: Uncertain significance for Autosomal recessive early-onset Parkinson disease 6. Last evaluated: 2022-04-08. Review status: criteria provided, single submitter. Criteria: ACMG Guidelines, 2015. Collection method: clinical testing. Allele origin: unknown.

GeneDx
Classification: Uncertain significance. Last evaluated: 2019-09-23. Review status: criteria provided, single submitter. Criteria: GeneDx Variant Classification Process June 2021. Collection method: clinical testing. Allele origin: germline. Affected: yes.
Comment: Not observed at a significant frequency in large population cohorts (Lek et al., 2016); In silico analysis, which includes protein predictors and evolutionary conservation, supports a deleterious effect; In-silico analysis, which includes splice predictors and evolutionary conservation, is inconclusive as to whether the variant alters gene splicing. In the absence of RNA/functional studies, the actual effect of this sequence change is unknown.

NM_032409.3(PINK1):c.857C>T (p.Pro286Leu)

Genes: PINK1 (PTEN induced kinase 1; plus strand), PINK1-AS (PINK1 antisense RNA; minus strand). Cytogenetic location: 1p36.12.
Variant type: single nucleotide variant.
Coding change: c.857C>T on transcript NM_032409.3 (MANE Select); coding-DNA position 857, C replaced by T.
Protein change: p.Pro286Leu; replaces proline 286 with leucine.
Molecular consequence: missense variant.
Genome position (GRCh38, 1-based): chr1:20,644,570, C>T. VCF-style: chr1-20644570-C-T. GRCh37 (hg19) VCF-style: chr1-20971063-C-T.
Other names: short protein forms P286L.
Identifiers: ClinVar variation 1308797 (VCV001308797.7), dbSNP rs146691996, ClinGen allele CA660560.
Genomic context (GRCh38, chr1:20,644,570, plus strand): 5'-AGCAACTAGCCCCTCACCCCAACATCATCCGGGTTCTCCGCGCCTTCACCTCTTCCGTGC[C>T]GCTGCTGCCAGGGGCCCTGGTCGACTACCCTGATGTGCTGCCCTCACGCCTCCACCCTGA-3'
Protein context (NP_115785.1, residues 276-296): RVLRAFTSSV[Pro286Leu]LLPGALVDYP